The following is an entry in ClinVar:

ClinVar aggregate classification (germline): Uncertain significance (1 of 4 stars; one submission).

Submission:

GeneDx
Classification: Uncertain significance. Last evaluated: 2026-03-18. Review status: criteria provided, single submitter. Criteria: GeneDx Variant Classification Process June 2021. Collection method: clinical testing. Allele origin: germline.
Comment: Not observed at significant frequency in large population cohorts (gnomAD); In silico analysis supports that this missense variant has a deleterious effect on protein structure/function; Has not been previously published as pathogenic or benign to our knowledge

NM_014991.6(WDFY3):c.590T>C (p.Leu197Pro)

Gene: WDFY3 (WD repeat and FYVE domain containing 3; minus strand). Cytogenetic location: 4q21.23.
Variant type: single nucleotide variant.
Coding change: c.590T>C on transcript NM_014991.6 (MANE Select); coding-DNA position 590, T replaced by C.
Protein change: p.Leu197Pro; replaces leucine 197 with proline.
Molecular consequence: missense variant.
Genome position (GRCh38, 1-based): chr4:84,831,592, A>G on the plus strand (T>C on the coding strand, the complement: WDFY3 is on the minus strand). VCF-style: chr4-84831592-A-G. GRCh37 (hg19) VCF-style: chr4-85752745-A-G.
Other names: short protein forms L197P.
Identifiers: ClinVar variation 5009448 (VCV005009448.1).